The following is an entry in ClinVar:

NM_019066.5(MAGEL2):c.2954C>T (p.Pro985Leu)

Gene: MAGEL2 (MAGE family member L2; minus strand). Cytogenetic location: 15q11.2.
Variant type: single nucleotide variant.
Coding change: c.2954C>T on transcript NM_019066.5 (MANE Select); coding-DNA position 2954, C replaced by T.
Protein change: p.Pro985Leu; replaces proline 985 with leucine.
Molecular consequence: missense variant.
Genome position (GRCh38, 1-based): chr15:23,644,789, G>A on the plus strand (C>T on the coding strand, the complement: MAGEL2 is on the minus strand). VCF-style: chr15-23644789-G-A. GRCh37 (hg19) VCF-style: chr15-23889936-G-A.
Other names: short protein forms P985L.
Identifiers: ClinVar variation 4994437 (VCV004994437.1).

ClinVar aggregate classification (germline): Uncertain significance (1 of 4 stars; one submission).

Conditions:
MAGEL2-related disorder. Also called: MAGEL2-related condition.

gnomAD v4.1: 1 of 1,613,486 alleles (0.000062%); highest among the groups gnomAD compares: Non-Finnish European, 0.000085%; no homozygotes.

Submission:

PreventionGenetics, part of Exact Sciences
Classification: Uncertain significance for MAGEL2-related condition. Last evaluated: 2026-04-30. Review status: criteria provided, single submitter. Criteria: ACMG Guidelines, 2015. Collection method: clinical testing. Allele origin: germline.
Comment: The MAGEL2 c.2954C>T variant is predicted to result in the amino acid substitution p.Pro985Leu. To our knowledge, this variant has not been reported in the literature or in a large population database (gnomAD), indicating this variant is rare. At this time, the clinical significance of this variant is uncertain due to the absence of conclusive functional and genetic evidence.